The following is an entry in ClinVar:

NM_001184880.2(PCDH19):c.1841T>G (p.Phe614Cys)

Gene: PCDH19 (protocadherin 19; minus strand). Cytogenetic location: Xq22.1.
Variant type: single nucleotide variant.
Coding change: c.1841T>G on transcript NM_001184880.2 (MANE Select); coding-DNA position 1841, T replaced by G.
Protein change: p.Phe614Cys; replaces phenylalanine 614 with cysteine.
Molecular consequence: missense variant.
Genome position (GRCh38, 1-based): chrX:100,406,757, A>C on the plus strand (T>G on the coding strand, the complement: PCDH19 is on the minus strand). VCF-style: chrX-100406757-A-C. GRCh37 (hg19) VCF-style: chrX-99661755-A-C.
Other names: c.1841T>G, p.Phe614Cys (NM_001105243.2, NM_020766.3); short protein forms F614C.
Identifiers: ClinVar variation 1009569 (VCV001009569.9), dbSNP rs759085956, ClinGen allele CA10468843.
Genomic context (GRCh38, chrX:100,406,757, plus strand): 5'-GAGCTCTCCCCGAAGGTGCGGGTGGTTCTGACTTCGCCATTGACCTGGTCTATTTCAAAG[A>C]AGCCGCGGTCGCCCTCGGTCATGTCGTAGGTGACTCGGCCATTTTCGCCCTCATCGTAGT-3'
Protein context (NP_001171809.1, residues 604-624): TYDMTEGDRG[Phe614Cys]FEIDQVNGEV

ClinVar aggregate classification (germline): Uncertain significance (1 of 4 stars; one submission).

Conditions:
Developmental and epileptic encephalopathy, 9 (DEE9). Also called: JUBERG-HELLMAN SYNDROME; PCDH19-Related X-Linked Female-Limited Epilepsy with Mental Retardation; Early infantile epileptic encephalopathy 9; EPILEPSY, FEMALE-RESTRICTED, WITH MENTAL RETARDATION. Identifiers: Orphanet 101039, Orphanet 2076, MedGen C1848137, MONDO:0010246, OMIM 300088. Disease mechanism: loss of function.

Allele frequency attached by ClinVar (database versions not stated): ExAC 0.00002; gnomAD exomes 0.00002 and 0.00004.
gnomAD v4.1: 7 of 1,211,530 alleles (0.00058%); highest among the groups gnomAD compares: Admixed American, 0.015%; no homozygotes.

Submission:

Labcorp Genetics (formerly Invitae), Labcorp
Classification: Uncertain significance for Developmental and epileptic encephalopathy, 9. Last evaluated: 2022-07-26. Review status: criteria provided, single submitter. Criteria: Invitae Variant Classification Sherloc (09022015). Collection method: clinical testing. Allele origin: germline.
Comment: This sequence change replaces phenylalanine, which is neutral and non-polar, with cysteine, which is neutral and slightly polar, at codon 614 of the PCDH19 protein (p.Phe614Cys). This variant is present in population databases (rs759085956, gnomAD 0.02%). This variant has not been reported in the literature in individuals affected with PCDH19-related conditions. ClinVar contains an entry for this variant (Variation ID: 1009569). Algorithms developed to predict the effect of missense changes on protein structure and function (SIFT, PolyPhen-2, Align-GVGD) all suggest that this variant is likely to be disruptive. In summary, the available evidence is currently insufficient to determine the role of this variant in disease. Therefore, it has been classified as a Variant of Uncertain Significance.